The following is an entry in ClinVar:

ClinVar aggregate classification (germline): Uncertain significance (1 of 4 stars; one submission).

Conditions:
Familial cancer of breast. Also called: BREAST CANCER, FAMILIAL; Hereditary breast cancer; hereditary breast carcinoma. Identifiers: Orphanet 227535, MedGen C0346153, MONDO:0016419, OMIM 114480. Disease mechanism: loss of function.

Submission:

Labcorp Genetics (formerly Invitae), Labcorp
Classification: Uncertain significance for Familial cancer of breast. Last evaluated: 2023-06-27. Review status: criteria provided, single submitter. Criteria: Invitae Variant Classification Sherloc (09022015). Collection method: clinical testing. Allele origin: germline.
Comment: An algorithm developed to predict the effect of missense changes on protein structure and function (PolyPhen-2) suggests that this variant is likely to be disruptive. In summary, the available evidence is currently insufficient to determine the role of this variant in disease. Therefore, it has been classified as a Variant of Uncertain Significance. This variant has not been reported in the literature in individuals affected with PALB2-related conditions. This variant is not present in population databases (gnomAD no frequency). This sequence change replaces isoleucine, which is neutral and non-polar, with asparagine, which is neutral and polar, at codon 1137 of the PALB2 protein (p.Ile1137Asn).

NM_024675.4(PALB2):c.3410T>A (p.Ile1137Asn)

Gene: PALB2 (partner and localizer of BRCA2; minus strand). Cytogenetic location: 16p12.2.
Variant type: single nucleotide variant.
Coding change: c.3410T>A on transcript NM_024675.4 (MANE Select); coding-DNA position 3410, T replaced by A.
Protein change: p.Ile1137Asn; replaces isoleucine 1137 with asparagine.
Molecular consequence: missense variant. On other transcripts: 3 prime UTR variant (5).
Genome position (GRCh38, 1-based): chr16:23,603,610, A>T on the plus strand (T>A on the coding strand, the complement: PALB2 is on the minus strand). VCF-style: chr16-23603610-A-T. GRCh37 (hg19) VCF-style: chr16-23614931-A-T.
Other names: c.3350T>A, p.Ile1117Asn (NM_001407296.1); c.3338T>A, p.Ile1113Asn (NM_001407297.1); c.3248T>A, p.Ile1083Asn (NM_001407298.1); c.3173T>A, p.Ile1058Asn (NM_001407299.1); c.3131T>A, p.Ile1044Asn (NM_001407300.1); c.*45T>A (NM_001407301.1, NM_001407302.1, NM_001407310.1 and 2 more transcripts); c.2525T>A, p.Ile842Asn (NM_001407304.1, NM_001407305.1, NM_001407306.1); c.2363T>A, p.Ile788Asn (NM_001407307.1); and 3 more; short protein forms I1113N, I541N, I1044N, I1117N, I1137N, I763N, I842N, I1058N.
Identifiers: ClinVar variation 2730716 (VCV002730716.3), dbSNP rs868258231, ClinGen allele CA395138229.